The following is an entry in ClinVar:

NM_000081.4(LYST):c.2762A>G (p.Asn921Ser)

Gene: LYST (lysosomal trafficking regulator; minus strand). Cytogenetic location: 1q42.3.
Variant type: single nucleotide variant.
Coding change: c.2762A>G on transcript NM_000081.4 (MANE Select); coding-DNA position 2762, A replaced by G.
Protein change: p.Asn921Ser; replaces asparagine 921 with serine.
Molecular consequence: missense variant.
Genome position (GRCh38, 1-based): chr1:235,806,374, T>C on the plus strand (A>G on the coding strand, the complement: LYST is on the minus strand). VCF-style: chr1-235806374-T-C. GRCh37 (hg19) VCF-style: chr1-235969674-T-C.
Other names: c.2762A>G (NM_000081.2); c.2762A>G, p.Asn921Ser (NM_001301365.1); short protein forms N921S.
Identifiers: ClinVar variation 3664982 (VCV003664982.2).

ClinVar aggregate classification (germline): Uncertain significance. Review status: criteria provided, multiple submitters, no conflicts (2 of 4 stars). 2 submissions from 2 submitters: Uncertain significance (2). Last evaluated 2025-07-16.

Conditions:
Inborn genetic diseases. Identifiers: MedGen C0950123, MeSH D030342.
Chédiak-Higashi syndrome (CHS). Also called: Chediak-Higashi Syndrome. Identifiers: Orphanet 167, MedGen C0007965, MONDO:0008963, OMIM 214500.

gnomAD v4.1: 35 of 1,613,932 alleles (0.0022%); highest among the groups gnomAD compares: Middle Eastern, 0.016%; no homozygotes.

Submissions (2):

Ambry Genetics
Classification: Uncertain significance for Inborn genetic diseases. Last evaluated: 2025-07-16. Review status: criteria provided, single submitter. Criteria: Ambry Variant Classification Scheme 2023. Collection method: clinical testing. Allele origin: germline.

Labcorp Genetics (formerly Invitae), Labcorp
Classification: Uncertain significance for Chédiak-Higashi syndrome. Last evaluated: 2024-12-18. Review status: criteria provided, single submitter. Criteria: Invitae Variant Classification Sherloc (09022015). Collection method: clinical testing. Allele origin: germline.
Comment: This sequence change replaces asparagine, which is neutral and polar, with serine, which is neutral and polar, at codon 921 of the LYST protein (p.Asn921Ser). This variant is present in population databases (rs573100227, gnomAD 0.01%). This variant has not been reported in the literature in individuals affected with LYST-related conditions. Invitae Evidence Modeling of protein sequence and biophysical properties (such as structural, functional, and spatial information, amino acid conservation, physicochemical variation, residue mobility, and thermodynamic stability) indicates that this missense variant is not expected to disrupt LYST protein function with a negative predictive value of 80%. In summary, the available evidence is currently insufficient to determine the role of this variant in disease. Therefore, it has been classified as a Variant of Uncertain Significance.